The following is an entry in ClinVar:

NM_000179.3(MSH6):c.4002-17_4002-10delinsGTTTTTTC

Gene: MSH6 (mutS homolog 6; plus strand). Cytogenetic location: 2p16.3.
Variant type: Indel.
Coding change: c.4002-17_4002-10delinsGTTTTTTC on transcript NM_000179.3 (MANE Select); 17 bases into the intron before coding-DNA position 4002 through 10 bases into the intron before coding-DNA position 4002, TTTTTTTT replaced by GTTTTTTC.
Molecular consequence: intron variant.
Genome position (GRCh38, 1-based): chr2:47,806,762-47,806,769, TTTTTTTT replaced by GTTTTTTC. VCF-style: chr2-47806762-TTTTTTTT-GTTTTTTC. GRCh37 (hg19) VCF-style: chr2-48033901-TTTTTTTT-GTTTTTTC.
Other names: c.3096-17_3096-10delinsGTTTTTTC (NM_001281493.2, NM_001281494.2); c.3612-17_3612-10delinsGTTTTTTC (NM_001281492.2).
Identifiers: ClinVar variation 1219400 (VCV001219400.3), dbSNP rs2104575660, ClinGen allele CA2499216153.

ClinVar aggregate classification (germline): Uncertain significance (1 of 4 stars; one submission).

Submission:

GeneDx
Classification: Uncertain significance. Last evaluated: 2019-04-11. Review status: criteria provided, single submitter. Criteria: GeneDx Variant Classification Process June 2021. Collection method: clinical testing. Allele origin: germline. Affected: yes.
Comment: Not observed in large population cohorts (Lek et al., 2016); Has not been previously published as pathogenic or benign to our knowledge; In-silico analysis, which includes splice predictors and evolutionary conservation, is inconclusive as to whether the variant alters gene splicing. In the absence of RNA/functional studies, the actual effect of this sequence change is unknown.